The following is an entry in ClinVar:

NM_201384.3(PLEC):c.3452A>G (p.Asp1151Gly)

Gene: PLEC (plectin; minus strand). Cytogenetic location: 8q24.3.
Variant type: single nucleotide variant.
Coding change: c.3452A>G on transcript NM_201384.3 (MANE Select); coding-DNA position 3452, A replaced by G.
Protein change: p.Asp1151Gly; replaces aspartic acid 1151 with glycine.
Molecular consequence: missense variant.
Genome position (GRCh38, 1-based): chr8:143,927,714, T>C on the plus strand (A>G on the coding strand, the complement: PLEC is on the minus strand). VCF-style: chr8-143927714-T-C. GRCh37 (hg19) VCF-style: chr8-145001882-T-C.
Other names: c.3533A>G, p.Asp1178Gly (NM_001410941.1, NM_000445.5); c.3410A>G, p.Asp1137Gly (NM_201378.4); c.3386A>G, p.Asp1129Gly (NM_201379.3); c.3863A>G, p.Asp1288Gly (NM_201380.4); c.3356A>G, p.Asp1119Gly (NM_201381.3); c.3452A>G, p.Asp1151Gly (NM_201382.4); c.3464A>G, p.Asp1155Gly (NM_201383.3); short protein forms D1119G, D1129G, D1137G, D1155G, D1151G, D1178G, D1288G.
Identifiers: ClinVar variation 1950059 (VCV001950059.5), dbSNP rs1224285110, ClinGen allele CA372566040.
Genomic context (GRCh38, chr8:143,927,714, plus strand): 5'-TCCCGCTCCCCGTGCCGCTGCTGCAGTCGCTCCCCCACCTCCTGTGCCCCCCGCAGCTCA[T>C]CCCGCAGGGCGTCGAACGTGGGCTGCTGTGCCTCGGCCTGGGCCCGCAGCTTCTGTTGGG-3'
Protein context (NP_958786.1, residues 1141-1161): AQQPTFDALR[Asp1151Gly]ELRGAQEVGE

ClinVar aggregate classification (germline): Uncertain significance (1 of 4 stars; one submission).

Conditions:
Epidermolysis bullosa simplex 5B, with muscular dystrophy (EBS5B). Also called: Epidermolysis bullosa simplex with muscular dystrophy; EPIDERMOLYSIS BULLOSA SIMPLEX AND LIMB-GIRDLE MUSCULAR DYSTROPHY. Identifiers: Orphanet 257, MedGen C2931072, MONDO:0009181, OMIM 226670.
Epidermolysis bullosa simplex, Ogna type (EBS5A). Also called: Pidermolysis bullosa simplex 5A, Ogna type; EPIDERMOLYSIS BULLOSA SIMPLEX 5A, OGNA TYPE. Identifiers: Orphanet 79401, MedGen C0432317, MONDO:0007555, OMIM 131950.
Epidermolysis bullosa simplex with nail dystrophy (EBS5D). Identifiers: MedGen C4225309, MONDO:0014661, OMIM 616487.
Epidermolysis bullosa simplex 5C, with pyloric atresia (EBS5C). Also called: PLEC1-Related Epidermolysis Bullosa with Pyloric Atresia; PLEC-Related Epidermolysis Bullosa with Pyloric Atresia; Epidermolysis bullosa simplex with pyloric atresia. Identifiers: Orphanet 158684, MedGen C2677349, MONDO:0012807, OMIM 612138.
Autosomal recessive limb-girdle muscular dystrophy type 2Q (LGMDR17). Also called: MUSCULAR DYSTROPHY, LIMB-GIRDLE, AUTOSOMAL RECESSIVE 17. Identifiers: Orphanet 254361, MedGen C3150989, MONDO:0013390, OMIM 613723.

Allele frequency attached by ClinVar (database versions not stated): gnomAD exomes below 0.00001; TOPMed below 0.00001; gnomAD 0.00001.
gnomAD v4.1: 3 of 1,590,398 alleles (0.00019%); highest among the groups gnomAD compares: Non-Finnish European, 0.00026%; no homozygotes.

Submission:

Labcorp Genetics (formerly Invitae), Labcorp
Classification: Uncertain significance for Autosomal recessive limb-girdle muscular dystrophy type 2Q; Epidermolysis bullosa simplex, Ogna type; Epidermolysis bullosa simplex with nail dystrophy; Epidermolysis bullosa simplex 5C, with pyloric atresia; Epidermolysis bullosa simplex 5B, with muscular dystrophy. Last evaluated: 2022-06-19. Review status: criteria provided, single submitter. Criteria: Invitae Variant Classification Sherloc (09022015). Collection method: clinical testing. Allele origin: germline.
Comment: Algorithms developed to predict the effect of missense changes on protein structure and function are either unavailable or do not agree on the potential impact of this missense change (SIFT: "Deleterious"; PolyPhen-2: "Not Available"; Align-GVGD: "Class C0"). This sequence change replaces aspartic acid, which is acidic and polar, with glycine, which is neutral and non-polar, at codon 1178 of the PLEC protein (p.Asp1178Gly). This variant is not present in population databases (gnomAD no frequency). This variant has not been reported in the literature in individuals affected with PLEC-related conditions. Algorithms developed to predict the effect of sequence changes on RNA splicing suggest that this variant may create or strengthen a splice site. In summary, the available evidence is currently insufficient to determine the role of this variant in disease. Therefore, it has been classified as a Variant of Uncertain Significance.